The following is an entry in ClinVar:

ClinVar aggregate classification (germline): Uncertain significance (1 of 4 stars; one submission).

Submission:

GeneDx
Classification: Uncertain significance. Last evaluated: 2025-06-09. Review status: criteria provided, single submitter. Criteria: GeneDx Variant Classification Process June 2021. Collection method: clinical testing. Allele origin: germline. Affected: yes.
Comment: Not observed at significant frequency in large population cohorts (gnomAD); In silico analysis supports that this missense variant has a deleterious effect on protein structure/function; Has not been previously published as pathogenic or benign to our knowledge

NM_002025.4(AFF2):c.148C>T (p.Leu50Phe)

Gene: AFF2 (ALF transcription elongation factor 2; plus strand). Cytogenetic location: Xq28.
Variant type: single nucleotide variant.
Coding change: c.148C>T on transcript NM_002025.4 (MANE Select); coding-DNA position 148, C replaced by T.
Protein change: p.Leu50Phe; replaces leucine 50 with phenylalanine.
Molecular consequence: missense variant.
Genome position (GRCh38, 1-based): chrX:148,652,099, C>T. VCF-style: chrX-148652099-C-T. GRCh37 (hg19) VCF-style: chrX-147733620-C-T.
Other names: c.148C>T, p.Leu50Phe (NM_001169125.2, NM_001169122.2, NM_001169123.2 and 1 more transcripts); short protein forms L50F.
Identifiers: ClinVar variation 4538058 (VCV004538058.1).
Genomic context (GRCh38, chrX:148,652,099, plus strand): 5'-TGGGAGCGGAGGAATCAAGAAGTCCAGCAAGAAGACGATCTCTTTTCTTCAGGCTTTGAT[C>T]TTTTTGGGGAGCCATACAAGGTAGCTGAATATGTATGTAATTTTTCTTTCTGGAAAATGG-3'
Protein context (NP_002016.2, residues 40-60): EDDLFSSGFD[Leu50Phe]FGEPYKVAEY